The following is an entry in ClinVar:

NM_001378454.1(ALMS1):c.11548-2A>G

Gene: ALMS1 (ALMS1 centrosome and basal body associated protein; plus strand). Cytogenetic location: 2p13.1.
Variant type: single nucleotide variant.
Coding change: c.11548-2A>G on transcript NM_001378454.1 (MANE Select); the canonical splice acceptor site of the intron before coding-DNA position 11548, A replaced by G.
Molecular consequence: splice acceptor variant.
Genome position (GRCh38, 1-based): chr2:73,599,399, A>G. VCF-style: chr2-73599399-A-G. GRCh37 (hg19) VCF-style: chr2-73826526-A-G.
Other names: c.11548-2A>G (NM_015120.4).
Identifiers: ClinVar variation 2862791 (VCV002862791.3), dbSNP rs1396843820, ClinGen allele CA347262730.

ClinVar aggregate classification (germline): Likely pathogenic (1 of 4 stars; one submission).

Conditions:
Alstrom syndrome (ALMS). Identifiers: Orphanet 64, MedGen C0268425, MONDO:0008763, OMIM 203800.

Allele frequency attached by ClinVar (database versions not stated): gnomAD exomes below 0.00001; gnomAD 0.00001.
gnomAD v4.1: 3 of 1,612,642 alleles (0.00019%); no homozygotes.

Submission:

Labcorp Genetics (formerly Invitae), Labcorp
Classification: Likely pathogenic for Alstrom syndrome. Last evaluated: 2023-05-09. Review status: criteria provided, single submitter. Criteria: Invitae Variant Classification Sherloc (09022015). Collection method: clinical testing. Allele origin: germline.
Comment: In summary, the currently available evidence indicates that the variant is pathogenic, but additional data are needed to prove that conclusively. Therefore, this variant has been classified as Likely Pathogenic. Algorithms developed to predict the effect of sequence changes on RNA splicing suggest that this variant may disrupt the consensus splice site. This variant has not been reported in the literature in individuals affected with ALMS1-related conditions. This variant is present in population databases (no rsID available, gnomAD 0.005%). This sequence change affects an acceptor splice site in intron 16 of the ALMS1 gene. It is expected to disrupt RNA splicing. Variants that disrupt the donor or acceptor splice site typically lead to a loss of protein function (PMID: 16199547), and loss-of-function variants in ALMS1 are known to be pathogenic (PMID: 17594715).

Literature cited by the submitters: PubMed 16199547; PubMed 17594715.